The following is an entry in ClinVar:

NM_012233.3(RAB3GAP1):c.932_935del (p.Ser311fs)

Gene: RAB3GAP1 (RAB3 GTPase activating protein catalytic subunit 1; plus strand). Cytogenetic location: 2q21.3.
Variant type: Deletion.
Coding change: c.932_935del on transcript NM_012233.3 (MANE Select); coding-DNA positions 932 to 935, 4 bases deleted (CTGT; older notation c.932_935delCTGT).
Protein change: p.Ser311fs; shifts the reading frame from serine 311.
Molecular consequence: frameshift variant.
Genome position (GRCh38, 1-based): chr2:135,126,615-135,126,618, CTGT deleted; deleting any 4 consecutive bases within chr2:135,126,613-135,126,618 gives the same sequence; the c. name uses the placement nearest the transcript's 3' end. VCF-style (leftmost placement, unchanged base first): chr2-135126612-GGTCT-G. GRCh37 (hg19) VCF-style: chr2-135884182-GGTCT-G.
Other names: c.932_935del, p.Ser311fs (NM_001172435.2); short protein forms S311fs.
Identifiers: ClinVar variation 5018562 (VCV005018562.1).

ClinVar aggregate classification (germline): Pathogenic (1 of 4 stars; one submission).

Conditions:
Warburg micro syndrome 1 (WARBM1). Identifiers: Orphanet 2510, MedGen C1838625, MONDO:0010822, OMIM 600118.
Martsolf syndrome 2. Identifiers: MedGen C5543626, MONDO:0030376, OMIM 619420.

Submission:

Juno Genomics, Hangzhou Juno Genomics, Inc
Classification: Pathogenic for Warburg micro syndrome 1; Martsolf syndrome 2. Review status: criteria provided, single submitter. Criteria: ACMG Guidelines, 2015. Collection method: clinical testing. Allele origin: germline. Affected: yes.
Comment: Absent from controls (or at extremely low frequency if recessive) in Genome Aggregation Database.;Null variant in a gene where loss of function (LOF) is a known mechanism of disease.;For recessive disorders, detected in trans with a pathogenic variant.;Patient's phenotype or family history is highly specific for a disease with a single genetic etiology.